The following is an entry in ClinVar:

NM_182643.3(DLC1):c.2991-4G>A

Gene: DLC1 (DLC1 Rho GTPase activating protein; minus strand). Cytogenetic location: 8p22.
Variant type: single nucleotide variant.
Coding change: c.2991-4G>A on transcript NM_182643.3 (MANE Select); 4 bases into the intron before coding-DNA position 2991, G replaced by A.
Molecular consequence: intron variant.
Genome position (GRCh38, 1-based): chr8:13,098,579, C>T on the plus strand (G>A on the coding strand, the complement: DLC1 is on the minus strand). VCF-style: chr8-13098579-C-T. GRCh37 (hg19) VCF-style: chr8-12956088-C-T.
Other names: c.1458-4G>A (NM_001348082.2, NM_001348084.2, NM_001164271.2 and 1 more transcripts); c.2991-4G>A (NM_001348081.2, NM_182643.2); c.1782-4G>A (NM_001316668.2); c.1680-4G>A (NM_006094.5).
Identifiers: ClinVar variation 2023017 (VCV002023017.14), dbSNP rs199980849, ClinGen allele CA4638473.

ClinVar aggregate classification (germline): Likely benign. Review status: criteria provided, multiple submitters, no conflicts (2 of 4 stars). 4 submissions from 4 submitters: Likely benign (3). 1 of the submissions does not count toward it. Last evaluated 2025-04-01.

Conditions:
DLC1-related disorder. Also called: DLC1-related condition.

Allele frequency attached by ClinVar (database versions not stated): 1000 Genomes Project 30x 0.00016; 1000 Genomes Project 0.00020; gnomAD 0.00023; TOPMed 0.00026; ESP Exome Variant Server 0.00054.
gnomAD v4.1: 381 of 1,612,004 alleles (0.024%); highest among the groups gnomAD compares: Non-Finnish European, 0.03%; 1 homozygote.

Submissions (4):

CeGaT Center for Human Genetics Tuebingen
Classification: Likely benign. Last evaluated: 2025-04-01. Review status: criteria provided, single submitter. Criteria: CeGaT Center For Human Genetics Tuebingen Variant Classification Criteria Version 2. Collection method: clinical testing. Allele origin: germline. Affected: yes. Observed: 1 variant allele.
Comment: DLC1: BP4, BS2

Blueprint Genetics
Classification: Likely benign. Last evaluated: 2024-11-21. Review status: criteria provided, single submitter. Criteria: ACMG Guidelines, 2015. Collection method: clinical testing. Allele origin: germline.

Labcorp Genetics (formerly Invitae), Labcorp
Classification: Likely benign. Last evaluated: 2024-10-24. Review status: criteria provided, single submitter. Criteria: Invitae Variant Classification Sherloc (09022015). Collection method: clinical testing. Allele origin: germline.

PreventionGenetics, part of Exact Sciences
Classification: Likely benign for DLC1-related condition. Last evaluated: 2019-03-20. Review status: no assertion criteria provided. Collection method: clinical testing. Allele origin: germline. Not counted in ClinVar's aggregate classification.
Comment: This variant is classified as likely benign based on ACMG/AMP sequence variant interpretation guidelines (Richards et al. 2015 PMID: 25741868, with internal and published modifications).